The following is an entry in ClinVar:

ClinVar aggregate classification (germline): Uncertain significance (1 of 4 stars; one submission).

Allele frequency attached by ClinVar (database versions not stated): gnomAD exomes below 0.00001; ExAC 0.00001.
gnomAD v4.1: 1 of 1,611,076 alleles (0.000062%); highest among the groups gnomAD compares: Non-Finnish European, 0.000085%; no homozygotes.

Submission:

Labcorp Genetics (formerly Invitae), Labcorp
Classification: Uncertain significance. Last evaluated: 2022-01-04. Review status: criteria provided, single submitter. Criteria: Invitae Variant Classification Sherloc (09022015). Collection method: clinical testing. Allele origin: germline.
Comment: In summary, the available evidence is currently insufficient to determine the role of this variant in disease. Therefore, it has been classified as a Variant of Uncertain Significance. Advanced modeling of protein sequence and biophysical properties (such as structural, functional, and spatial information, amino acid conservation, physicochemical variation, residue mobility, and thermodynamic stability) performed at Invitae indicates that this missense variant is not expected to disrupt NEFH protein function. This variant has not been reported in the literature in individuals affected with NEFH-related conditions. This variant is not present in population databases (gnomAD no frequency). This sequence change replaces proline, which is neutral and non-polar, with serine, which is neutral and polar, at codon 705 of the NEFH protein (p.Pro705Ser).

NM_021076.4(NEFH):c.2113C>T (p.Pro705Ser)

Gene: NEFH (neurofilament heavy chain; plus strand). Cytogenetic location: 22q12.2.
Variant type: single nucleotide variant.
Coding change: c.2113C>T on transcript NM_021076.4 (MANE Select); coding-DNA position 2113, C replaced by T.
Protein change: p.Pro705Ser; replaces proline 705 with serine.
Molecular consequence: missense variant.
Genome position (GRCh38, 1-based): chr22:29,489,753, C>T. VCF-style: chr22-29489753-C-T. GRCh37 (hg19) VCF-style: chr22-29885742-C-T.
Other names: short protein forms P705S.
Identifiers: ClinVar variation 1960299 (VCV001960299.5), dbSNP rs770039871, ClinGen allele CA10174360.